The following is an entry in ClinVar:

NM_001283009.2(RTEL1):c.1038-104G>A

Genes: RTEL1 (regulator of telomere elongation helicase 1; plus strand), RTEL1-TNFRSF6B (RTEL1-TNFRSF6B readthrough (NMD candidate); plus strand). Cytogenetic location: 20q13.33.
Variant type: single nucleotide variant.
Coding change: c.1038-104G>A on transcript NM_001283009.2 (MANE Select); 104 bases into the intron before coding-DNA position 1038, G replaced by A.
Molecular consequence: intron variant.
Genome position (GRCh38, 1-based): chr20:63,679,745, G>A. VCF-style: chr20-63679745-G-A. GRCh37 (hg19) VCF-style: chr20-62311098-G-A.
Other names: c.369-104G>A (NM_001283010.1); c.1110-104G>A (NM_032957.5); c.1038-104G>A (NM_016434.4).
Identifiers: ClinVar variation 1184746 (VCV001184746.5), dbSNP rs2297438, ClinGen allele CA14813200.

ClinVar aggregate classification (germline): Benign. Review status: criteria provided, multiple submitters, no conflicts (2 of 4 stars). 4 submissions from 3 submitters: Benign (4). Last evaluated 2024-01-24.

Conditions:
Dyskeratosis congenita, autosomal recessive 5 (DKCB5). Identifiers: MedGen C3554656, MONDO:0014076, OMIM 615190.
Pulmonary fibrosis and/or bone marrow failure, Telomere-related, 3. Also called: PULMONARY FIBROSIS AND/OR BONE MARROW FAILURE SYNDROME, TELOMERE-RELATED, 3. Identifiers: Orphanet 2032, MedGen C4225346, MONDO:0014613, OMIM 616373.

Allele frequency attached by ClinVar (database versions not stated): 1000 Genomes Project 0.71386; 1000 Genomes Project 30x 0.72236; gnomAD exomes 0.74763; gnomAD 0.79847 and 0.80871; TOPMed 0.79866.
gnomAD v4.1: 637,504 of 842,216 alleles (76%); highest among the groups gnomAD compares: African/African-American, 93%; 247,296 homozygotes.

Submissions (4):

Unidad de Genómica Garrahan, Hospital de Pediatría Garrahan
Classification: Benign. Last evaluated: 2024-01-24. Review status: criteria provided, single submitter. Criteria: ACMG Guidelines, 2015. Collection method: clinical testing. Allele origin: germline. Affected: no. Observed: 38 variant alleles.
Comment: This variant is classified as Benign based on local population frequency. This variant was detected in 40% of patients studied by a panel of primary immunodeficiencies. Number of patients: 38. Only high quality variants are reported.

Genome-Nilou Lab
Classification: Benign for Dyskeratosis congenita, autosomal recessive 5. Last evaluated: 2021-07-10. Review status: criteria provided, single submitter. Criteria: ACMG Guidelines, 2015. Collection method: clinical testing. Allele origin: germline. Affected: no.

Genome-Nilou Lab
Classification: Benign for Pulmonary fibrosis and/or bone marrow failure, Telomere-related, 3. Last evaluated: 2021-07-10. Review status: criteria provided, single submitter. Criteria: ACMG Guidelines, 2015. Collection method: clinical testing. Allele origin: germline. Affected: no.

GeneDx
Classification: Benign. Last evaluated: 2019-03-31. Review status: criteria provided, single submitter. Criteria: GeneDx Variant Classification Process June 2021. Collection method: clinical testing. Allele origin: germline. Affected: yes.